The following is an entry in ClinVar:

NM_020686.6(ABAT):c.694G>C (p.Ala232Pro)

Gene: ABAT (4-aminobutyrate aminotransferase; plus strand). Cytogenetic location: 16p13.2.
Variant type: single nucleotide variant.
Coding change: c.694G>C on transcript NM_020686.6 (MANE Select); coding-DNA position 694, G replaced by C.
Protein change: p.Ala232Pro; replaces alanine 232 with proline.
Molecular consequence: missense variant.
Genome position (GRCh38, 1-based): chr16:8,768,851, G>C. VCF-style: chr16-8768851-G-C. GRCh37 (hg19) VCF-style: chr16-8862708-G-C.
Other names: c.694G>C, p.Ala232Pro (NM_000663.5, NM_001127448.2, NM_001386600.1 and 7 more transcripts); c.448G>C, p.Ala150Pro (NM_001386614.1); c.790G>C, p.Ala264Pro (NM_001386615.1); c.631G>C, p.Ala211Pro (NM_001386606.1, NM_001386607.1); c.601G>C, p.Ala201Pro (NM_001386608.1); c.559G>C, p.Ala187Pro (NM_001386610.1, NM_001386611.1); c.496G>C, p.Ala166Pro (NM_001386612.1, NM_001386613.1); short protein forms A150P, A166P, A187P, A201P, A211P, A232P, A264P.
Identifiers: ClinVar variation 3606097 (VCV003606097.2).

ClinVar aggregate classification (germline): Uncertain significance (1 of 4 stars; one submission).

Conditions:
Gamma-aminobutyric acid transaminase deficiency (GABATD). Also called: GABA aminotransaminase deficiency; GABA transaminase deficiency; Gamma aminobutyrate transaminase deficiency; 4 alpha aminobutyrate transaminase deficiency. Identifiers: Orphanet 2066, MedGen C0342708, MONDO:0013166, OMIM 613163.

gnomAD v4.1: 1 of 1,614,058 alleles (0.000062%); highest among the groups gnomAD compares: Non-Finnish European, 0.000085%; no homozygotes.

Submission:

Labcorp Genetics (formerly Invitae), Labcorp
Classification: Uncertain significance for Gamma-aminobutyric acid transaminase deficiency. Last evaluated: 2025-06-20. Review status: criteria provided, single submitter. Criteria: Invitae Variant Classification Sherloc (09022015). Collection method: clinical testing. Allele origin: germline.
Comment: This sequence change replaces alanine, which is neutral and non-polar, with proline, which is neutral and non-polar, at codon 232 of the ABAT protein (p.Ala232Pro). This variant is not present in population databases (gnomAD no frequency). This variant has not been reported in the literature in individuals affected with ABAT-related conditions. ClinVar contains an entry for this variant (Variation ID: 3606097). Invitae Evidence Modeling of protein sequence and biophysical properties (such as structural, functional, and spatial information, amino acid conservation, physicochemical variation, residue mobility, and thermodynamic stability) indicates that this missense variant is not expected to disrupt ABAT protein function with a negative predictive value of 80%. In summary, the available evidence is currently insufficient to determine the role of this variant in disease. Therefore, it has been classified as a Variant of Uncertain Significance.